The following is an entry in ClinVar:

NM_004655.4(AXIN2):c.906A>G (p.Ile302Met)

Gene: AXIN2 (axin 2; minus strand). Cytogenetic location: 17q24.1.
Variant type: single nucleotide variant.
Coding change: c.906A>G on transcript NM_004655.4 (MANE Select); coding-DNA position 906, A replaced by G.
Protein change: p.Ile302Met; replaces isoleucine 302 with methionine.
Molecular consequence: missense variant.
Genome position (GRCh38, 1-based): chr17:65,549,570, T>C on the plus strand (A>G on the coding strand, the complement: AXIN2 is on the minus strand). VCF-style: chr17-65549570-T-C. GRCh37 (hg19) VCF-style: chr17-63545688-T-C.
Other names: c.906A>G (LRG_296t1); c.906A>G, p.Ile302Met (NM_001363813.1); short protein forms I302M.
Identifiers: ClinVar variation 582500 (VCV000582500.8), dbSNP rs1567763500, ClinGen allele CA400679522.

ClinVar aggregate classification (germline): Uncertain significance (1 of 4 stars; one submission).

Conditions:
Oligodontia-cancer predisposition syndrome. Also called: TOOTH AGENESIS-COLORECTAL CANCER SYNDROME. Identifiers: Orphanet 300576, MedGen C1837750, MONDO:0012075, OMIM 608615. Disease mechanism: loss of function.

Allele frequency attached by ClinVar (database versions not stated): gnomAD 0.00001.
gnomAD v4.1: 1 of 1,610,674 alleles (0.000062%); highest among the groups gnomAD compares: Non-Finnish European, 0.000085%; no homozygotes.

Submission:

Labcorp Genetics (formerly Invitae), Labcorp
Classification: Uncertain significance for Oligodontia-cancer predisposition syndrome. Last evaluated: 2023-01-06. Review status: criteria provided, single submitter. Criteria: Invitae Variant Classification Sherloc (09022015). Collection method: clinical testing. Allele origin: germline.
Comment: In summary, the available evidence is currently insufficient to determine the role of this variant in disease. Therefore, it has been classified as a Variant of Uncertain Significance. Advanced modeling of protein sequence and biophysical properties (such as structural, functional, and spatial information, amino acid conservation, physicochemical variation, residue mobility, and thermodynamic stability) performed at Invitae indicates that this missense variant is not expected to disrupt AXIN2 protein function. ClinVar contains an entry for this variant (Variation ID: 582500). This variant has not been reported in the literature in individuals affected with AXIN2-related conditions. This variant is not present in population databases (gnomAD no frequency). This sequence change replaces isoleucine, which is neutral and non-polar, with methionine, which is neutral and non-polar, at codon 302 of the AXIN2 protein (p.Ile302Met).